The following is an entry in ClinVar:

NM_016642.4(SPTBN5):c.589G>A (p.Val197Met)

Gene: SPTBN5 (spectrin beta, non-erythrocytic 5; minus strand). Cytogenetic location: 15q15.1.
Variant type: single nucleotide variant.
Coding change: c.589G>A on transcript NM_016642.4 (MANE Select); coding-DNA position 589, G replaced by A.
Protein change: p.Val197Met; replaces valine 197 with methionine.
Molecular consequence: missense variant.
Genome position (GRCh38, 1-based): chr15:41,887,998, C>T on the plus strand (G>A on the coding strand, the complement: SPTBN5 is on the minus strand). VCF-style: chr15-41887998-C-T. GRCh37 (hg19) VCF-style: chr15-42180196-C-T.
Other names: short protein forms V197M.
Identifiers: ClinVar variation 3048394 (VCV003048394.2), dbSNP rs529787639, ClinGen allele CA7504362.

ClinVar aggregate classification (germline): Likely benign (0 of 4 stars; one submission).

Conditions:
SPTBN5-related disorder. Also called: SPTBN5-related condition.

Allele frequency attached by ClinVar (database versions not stated): TOPMed 0.00006; gnomAD 0.00011; gnomAD exomes 0.00014; 1000 Genomes Project 30x 0.00016; 1000 Genomes Project 0.00020; ExAC 0.00047.

Submission:

PreventionGenetics, part of Exact Sciences
Classification: Likely benign for SPTBN5-related condition. Last evaluated: 2022-10-27. Review status: no assertion criteria provided. Collection method: clinical testing. Allele origin: germline.
Comment: This variant is classified as likely benign based on ACMG/AMP sequence variant interpretation guidelines (Richards et al. 2015 PMID: 25741868, with internal and published modifications).